The following is an entry in ClinVar:

NM_001854.4(COL11A1):c.3479C>A (p.Ala1160Asp)

Gene: COL11A1 (collagen type XI alpha 1 chain; minus strand). Cytogenetic location: 1p21.1.
Variant type: single nucleotide variant.
Coding change: c.3479C>A on transcript NM_001854.4 (MANE Select); coding-DNA position 3479, C replaced by A.
Protein change: p.Ala1160Asp; replaces alanine 1160 with aspartic acid.
Molecular consequence: missense variant. On other transcripts: non-coding transcript variant (1).
Genome position (GRCh38, 1-based): chr1:102,935,073, G>T on the plus strand (C>A on the coding strand, the complement: COL11A1 is on the minus strand). VCF-style: chr1-102935073-G-T. GRCh37 (hg19) VCF-style: chr1-103400629-G-T.
Other names: c.3479C>A (NM_001854.3); c.3362C>A, p.Ala1121Asp (NM_001190709.2); c.3515C>A, p.Ala1172Asp (NM_080629.3); c.3131C>A, p.Ala1044Asp (NM_080630.4); short protein forms A1160D, A1172D, A1044D, A1121D.
Identifiers: ClinVar variation 1440682 (VCV001440682.9), dbSNP rs1658006964, ClinGen allele CA341168196.

ClinVar aggregate classification (germline): Uncertain significance. Review status: criteria provided, multiple submitters, no conflicts (2 of 4 stars). 2 submissions from 2 submitters: Uncertain significance (2). Last evaluated 2025-02-10.

Conditions:
Inborn genetic diseases. Identifiers: MedGen C0950123, MeSH D030342.

Allele frequency attached by ClinVar (database versions not stated): TOPMed 0.00002.
gnomAD v4.1: 3 of 1,614,010 alleles (0.00019%); highest among the groups gnomAD compares: East Asian, 0.0022%; no homozygotes.

Submissions (2):

Labcorp Genetics (formerly Invitae), Labcorp
Classification: Uncertain significance. Last evaluated: 2025-02-10. Review status: criteria provided, single submitter. Criteria: Invitae Variant Classification Sherloc (09022015). Collection method: clinical testing. Allele origin: germline.
Comment: This sequence change replaces alanine, which is neutral and non-polar, with aspartic acid, which is acidic and polar, at codon 1160 of the COL11A1 protein (p.Ala1160Asp). This variant is not present in population databases (gnomAD no frequency). This variant has not been reported in the literature in individuals affected with COL11A1-related conditions. ClinVar contains an entry for this variant (Variation ID: 1440682). Invitae Evidence Modeling of protein sequence and biophysical properties (such as structural, functional, and spatial information, amino acid conservation, physicochemical variation, residue mobility, and thermodynamic stability) indicates that this missense variant is not expected to disrupt COL11A1 protein function with a negative predictive value of 80%. In summary, the available evidence is currently insufficient to determine the role of this variant in disease. Therefore, it has been classified as a Variant of Uncertain Significance.

Ambry Genetics
Classification: Uncertain significance for Inborn genetic diseases. Last evaluated: 2022-11-18. Review status: criteria provided, single submitter. Criteria: Ambry Variant Classification Scheme 2023. Collection method: clinical testing. Allele origin: germline.